The following is an entry in ClinVar:

ClinVar aggregate classification (germline): Benign. Review status: criteria provided, multiple submitters, no conflicts (2 of 4 stars). 2 submissions from 2 submitters: Benign (2). Last evaluated 2018-01-12.

Conditions:
Vitamin K-dependent clotting factors, combined deficiency of, type 1. Also called: FACTORS II, VII, IX, AND X, COMBINED DEFICIENCY OF; FAMILIAL MULTIPLE COAGULATION FACTOR DEFICIENCY III; FMFD III; GLUTAMIC ACID, DEFICIENT GAMMA-CARBOXYLATION OF; MULTIPLE COAGULATION FACTOR DEFICIENCY III; VITAMIN K-DEPENDENT COAGULATION DEFECT. Identifiers: Orphanet 98434, MedGen C1848534, MONDO:0010187, OMIM 277450.

Allele frequency attached by ClinVar (database versions not stated): 1000 Genomes Project 0.49361; 1000 Genomes Project 30x 0.49688; gnomAD 0.51486 and 0.52266; TOPMed 0.51824.

Submissions (2):

Illumina Laboratory Services, Illumina
Classification: Benign for Vitamin K-dependent clotting factors, combined deficiency of, type 1. Last evaluated: 2018-01-12. Review status: criteria provided, single submitter. Criteria: ICSL Variant Classification Criteria 13 December 2019. Collection method: clinical testing. Allele origin: germline.
Comment: This variant was observed in the ICSL laboratory as part of a predisposition screen in an ostensibly healthy population. It had not been previously curated by ICSL or reported in the Human Gene Mutation Database (HGMD: prior to June 1st, 2018), and was therefore a candidate for classification through an automated scoring system. Utilizing variant allele frequency, disease prevalence and penetrance estimates, and inheritance mode, an automated score was calculated to assess if this variant is too frequent to cause the disease. Based on the score and internal cut-off values, a variant classified as benign is not then subjected to further curation. The score for this variant resulted in a classification of benign for this disease.

Breakthrough Genomics
Classification: Benign. Review status: criteria provided, single submitter. Criteria: ACMG Guidelines, 2015. Collection method: not provided. Allele origin: germline. Inheritance: Autosomal recessive inheritance. Affected: yes.

NM_000821.7(GGCX):c.*2381C>T

Gene: GGCX (gamma-glutamyl carboxylase; minus strand). Cytogenetic location: 2p11.2.
Variant type: single nucleotide variant.
Coding change: c.*2381C>T on transcript NM_000821.7 (MANE Select); 2381 bases downstream of the stop codon, C replaced by T.
Molecular consequence: 3 prime UTR variant.
Genome position (GRCh38, 1-based): chr2:85,547,553, G>A on the plus strand (C>T on the coding strand, the complement: GGCX is on the minus strand). VCF-style: chr2-85547553-G-A. GRCh37 (hg19) VCF-style: chr2-85774676-G-A.
Other names: c.*2381C>T (NM_001142269.4).
Identifiers: ClinVar variation 337217 (VCV000337217.6), dbSNP rs6547621, ClinGen allele CA10614515.